The following is an entry in ClinVar:

ClinVar aggregate classification (germline): Uncertain significance (1 of 4 stars; one submission).

Submission:

Labcorp Genetics (formerly Invitae), Labcorp
Classification: Uncertain significance. Last evaluated: 2022-03-22. Review status: criteria provided, single submitter. Criteria: Invitae Variant Classification Sherloc (09022015). Collection method: clinical testing. Allele origin: germline.
Comment: Advanced modeling of protein sequence and biophysical properties (such as structural, functional, and spatial information, amino acid conservation, physicochemical variation, residue mobility, and thermodynamic stability) performed at Invitae indicates that this missense variant is not expected to disrupt COQ8B protein function. This sequence change replaces alanine, which is neutral and non-polar, with glycine, which is neutral and non-polar, at codon 528 of the COQ8B protein (p.Ala528Gly). The frequency data for this variant in the population databases is considered unreliable, as metrics indicate poor data quality at this position in the gnomAD database. This variant has not been reported in the literature in individuals affected with COQ8B-related conditions. In summary, the available evidence is currently insufficient to determine the role of this variant in disease. Therefore, it has been classified as a Variant of Uncertain Significance.

NM_024876.4(COQ8B):c.1583C>G (p.Ala528Gly)

Gene: COQ8B (coenzyme Q8B; minus strand). Cytogenetic location: 19q13.2.
Variant type: single nucleotide variant.
Coding change: c.1583C>G on transcript NM_024876.4 (MANE Select); coding-DNA position 1583, C replaced by G.
Protein change: p.Ala528Gly; replaces alanine 528 with glycine.
Molecular consequence: missense variant.
Genome position (GRCh38, 1-based): chr19:40,692,087, G>C on the plus strand (C>G on the coding strand, the complement: COQ8B is on the minus strand). VCF-style: chr19-40692087-G-C. GRCh37 (hg19) VCF-style: chr19-41197992-G-C.
Other names: c.1460C>G, p.Ala487Gly (NM_001142555.3); short protein forms A528G, A487G.
Identifiers: ClinVar variation 1903379 (VCV001903379.5), dbSNP rs1200732748, ClinGen allele CA405957342.